The following is an entry in ClinVar:

NM_006514.4(SCN10A):c.792G>A (p.Gly264=)

Gene: SCN10A (sodium voltage-gated channel alpha subunit 10; minus strand). Cytogenetic location: 3p22.2.
Variant type: single nucleotide variant.
Coding change: c.792G>A on transcript NM_006514.4 (MANE Select); coding-DNA position 792, G replaced by A.
Protein change: p.Gly264=; no amino-acid change (glycine 264 retained).
Molecular consequence: synonymous variant.
Genome position (GRCh38, 1-based): chr3:38,761,283, C>T on the plus strand (G>A on the coding strand, the complement: SCN10A is on the minus strand). VCF-style: chr3-38761283-C-T. GRCh37 (hg19) VCF-style: chr3-38802774-C-T.
Other names: c.792G>A (NM_006514.3); c.792G>A, p.Gly264= (NM_001293306.2, NM_001293307.2).
Identifiers: ClinVar variation 1761276 (VCV001761276.9), dbSNP rs765147928, ClinGen allele CA2321077.
Genomic context (GRCh38, chr3:38,761,283, plus strand): 5'-ATTGACAGCCATGTCATTCTTGACACATTTATTTTTGAGGTTGCCCTTGAAGAGTTGCAG[C>T]CCCACCAAGGCAAAAACACTTAGGCAGAAGATGGTGAGGATGGTCACATCAGCCAGTTTC-3'
Protein context (NP_006505.4, residues 254-274): IFCLSVFALV[Gly264=]LQLFKGNLKN

ClinVar aggregate classification (germline): Likely benign. Review status: criteria provided, multiple submitters, no conflicts (2 of 4 stars). 3 submissions from 3 submitters: Likely benign (2). 1 of the submissions does not count toward it. Last evaluated 2024-04-25.

Conditions:
Brugada syndrome. Also called: Sudden unexplained nocturnal death syndrome; Sudden unexpected nocturnal death syndrome; Sudden Unexplained Death Syndrome; Sudden Unexplained Nocturnal Death Syndrome (SUNDS). Identifiers: Orphanet 130, MedGen C1142166, MONDO:0015263.
Cardiovascular phenotype. Identifiers: MedGen CN230736.
SCN10A-related disorder. Also called: SCN10A-related condition.

Allele frequency attached by ClinVar (database versions not stated): ExAC 0.00002; gnomAD 0.00005; TOPMed 0.00007.
gnomAD v4.1: 29 of 1,613,962 alleles (0.0018%); highest among the groups gnomAD compares: Admixed American, 0.0083%; no homozygotes.

Submissions (3):

Labcorp Genetics (formerly Invitae), Labcorp
Classification: Likely benign for Brugada syndrome. Last evaluated: 2024-04-25. Review status: criteria provided, single submitter. Criteria: Invitae Variant Classification Sherloc (09022015). Collection method: clinical testing. Allele origin: germline.

Ambry Genetics
Classification: Likely benign for Cardiovascular phenotype. Last evaluated: 2019-01-22. Review status: criteria provided, single submitter. Criteria: Ambry Variant Classification Scheme 2023. Collection method: clinical testing. Allele origin: germline.

PreventionGenetics, part of Exact Sciences
Classification: Likely benign for SCN10A-related condition. Last evaluated: 2020-03-18. Review status: no assertion criteria provided. Collection method: clinical testing. Allele origin: germline. Not counted in ClinVar's aggregate classification.
Comment: This variant is classified as likely benign based on ACMG/AMP sequence variant interpretation guidelines (Richards et al. 2015 PMID: 25741868, with internal and published modifications).